The following is an entry in ClinVar:

NM_001134363.3(RBM20):c.937C>A (p.Gln313Lys)

Gene: RBM20 (RNA binding motif protein 20; plus strand). Cytogenetic location: 10q25.2.
Variant type: single nucleotide variant.
Coding change: c.937C>A on transcript NM_001134363.3 (MANE Select); coding-DNA position 937, C replaced by A.
Protein change: p.Gln313Lys; replaces glutamine 313 with lysine.
Molecular consequence: missense variant.
Genome position (GRCh38, 1-based): chr10:110,781,546, C>A. VCF-style: chr10-110781546-C-A. GRCh37 (hg19) VCF-style: chr10-112541304-C-A.
Other names: short protein forms Q313K.
Identifiers: ClinVar variation 2915511 (VCV002915511.4), dbSNP rs889348474, ClinGen allele CA213234938.

ClinVar aggregate classification (germline): Conflicting classifications of pathogenicity. Review status: criteria provided, conflicting classifications (1 of 4 stars). 2 submissions from 2 submitters: Uncertain significance (1); Benign (1). Last evaluated 2025-10-23.

Conditions:
Cardiovascular phenotype. Identifiers: MedGen CN230736.
Dilated cardiomyopathy 1DD (CMD1DD). Identifiers: Orphanet 154, MedGen C2750995, MONDO:0013168, OMIM 613172.

Allele frequency attached by ClinVar (database versions not stated): gnomAD 0.00001; TOPMed 0.00001.
gnomAD v4.1: 2 of 1,551,580 alleles (0.00013%); highest among the groups gnomAD compares: African/African-American, 0.0027%; no homozygotes.

Submissions (2):

Labcorp Genetics (formerly Invitae), Labcorp
Classification: Benign for Dilated cardiomyopathy 1DD. Last evaluated: 2025-10-23. Review status: criteria provided, single submitter. Criteria: Invitae Variant Classification Sherloc (09022015). Collection method: clinical testing. Allele origin: germline.

Ambry Genetics
Classification: Uncertain significance for Cardiovascular phenotype. Last evaluated: 2025-01-04. Review status: criteria provided, single submitter. Criteria: Ambry Variant Classification Scheme 2023. Collection method: clinical testing. Allele origin: germline.
Comment: The p.Q313K variant (also known as c.937C>A), located in coding exon 2 of the RBM20 gene, results from a C to A substitution at nucleotide position 937. The glutamine at codon 313 is replaced by lysine, an amino acid with similar properties. This amino acid position is conserved. In addition, this alteration is predicted to be tolerated by in silico analysis. Based on the available evidence, the clinical significance of this variant remains unclear.